The following is an entry in ClinVar:

ClinVar aggregate classification (germline): Uncertain significance (1 of 4 stars; one submission).

Conditions:
Hereditary nonpolyposis colorectal neoplasms. Identifiers: MedGen C0009405, MeSH D003123.

Submission:

Labcorp Genetics (formerly Invitae), Labcorp
Classification: Uncertain significance for Hereditary nonpolyposis colorectal neoplasms. Last evaluated: 2022-02-18. Review status: criteria provided, single submitter. Criteria: Invitae Variant Classification Sherloc (09022015). Collection method: clinical testing. Allele origin: germline.
Comment: In summary, the available evidence is currently insufficient to determine the role of this variant in disease. Therefore, it has been classified as a Variant of Uncertain Significance. Advanced modeling of protein sequence and biophysical properties (such as structural, functional, and spatial information, amino acid conservation, physicochemical variation, residue mobility, and thermodynamic stability) performed at Invitae indicates that this missense variant is not expected to disrupt PMS2 protein function. This variant has not been reported in the literature in individuals affected with PMS2-related conditions. This variant is not present in population databases (gnomAD no frequency). This sequence change replaces aspartic acid, which is acidic and polar, with tyrosine, which is neutral and polar, at codon 550 of the PMS2 protein (p.Asp550Tyr).

NM_000535.7(PMS2):c.1648G>T (p.Asp550Tyr)

Gene: PMS2 (PMS1 homolog 2, mismatch repair system component; minus strand). Cytogenetic location: 7p22.1.
Variant type: single nucleotide variant.
Coding change: c.1648G>T on transcript NM_000535.7 (MANE Select); coding-DNA position 1648, G replaced by T.
Protein change: p.Asp550Tyr; replaces aspartic acid 550 with tyrosine.
Molecular consequence: missense variant. On other transcripts: non-coding transcript variant (1).
Genome position (GRCh38, 1-based): chr7:5,987,117, C>A on the plus strand (G>T on the coding strand, the complement: PMS2 is on the minus strand). VCF-style: chr7-5987117-C-A. GRCh37 (hg19) VCF-style: chr7-6026748-C-A.
Other names: c.1243G>T, p.Asp415Tyr (NM_001322003.2, NM_001322004.2, NM_001322005.2 and 1 more transcripts); c.1492G>T, p.Asp498Tyr (NM_001322006.2); c.1330G>T, p.Asp444Tyr (NM_001322007.2, NM_001322008.2); c.1087G>T, p.Asp363Tyr (NM_001322010.2); c.715G>T, p.Asp239Tyr (NM_001322011.2, NM_001322012.2); c.1075G>T, p.Asp359Tyr (NM_001322013.2); c.1648G>T, p.Asp550Tyr (NM_001322014.2); c.1339G>T, p.Asp447Tyr (NM_001322015.2); short protein forms D444Y, D498Y, D239Y, D359Y, D363Y, D415Y, D447Y, D550Y.
Identifiers: ClinVar variation 1399882 (VCV001399882.6), dbSNP rs2128726061, ClinGen allele CA366741391.